The following is an entry in ClinVar:

NM_001205293.3(CACNA1E):c.6864C>T (p.Arg2288=)

Gene: CACNA1E (calcium voltage-gated channel subunit alpha1 E; plus strand). Cytogenetic location: 1q25.3.
Variant type: single nucleotide variant.
Coding change: c.6864C>T on transcript NM_001205293.3 (MANE Select); coding-DNA position 6864, C replaced by T.
Protein change: p.Arg2288=; no amino-acid change (arginine 2288 retained).
Molecular consequence: synonymous variant.
Genome position (GRCh38, 1-based): chr1:181,798,756, C>T. VCF-style: chr1-181798756-C-T. GRCh37 (hg19) VCF-style: chr1-181767892-C-T.
Other names: c.6735C>T, p.Arg2245= (NM_000721.4); c.6678C>T, p.Arg2226= (NM_001205294.2).
Identifiers: ClinVar variation 1648367 (VCV001648367.32), dbSNP rs768838447, ClinGen allele CA1276513.

ClinVar aggregate classification (germline): Likely benign. Review status: criteria provided, multiple submitters, no conflicts (2 of 4 stars). 3 submissions from 3 submitters: Likely benign (3). Last evaluated 2025-06-14.

Conditions:
Developmental and epileptic encephalopathy, 69. Also called: EPILEPTIC ENCEPHALOPATHY, EARLY INFANTILE, 69. Identifiers: MedGen C4748988, MONDO:0032657, OMIM 618285.

Allele frequency attached by ClinVar (database versions not stated): ExAC 0.00002; gnomAD exomes 0.00003.
gnomAD v4.1: 57 of 1,601,926 alleles (0.0036%); highest among the groups gnomAD compares: Middle Eastern, 0.017%; no homozygotes.

Submissions (3):

Labcorp Genetics (formerly Invitae), Labcorp
Classification: Likely benign. Last evaluated: 2025-06-14. Review status: criteria provided, single submitter. Criteria: Invitae Variant Classification Sherloc (09022015). Collection method: clinical testing. Allele origin: germline.

CeGaT Center for Human Genetics Tuebingen
Classification: Likely benign. Last evaluated: 2023-10-01. Review status: criteria provided, single submitter. Criteria: CeGaT Center For Human Genetics Tuebingen Variant Classification Criteria Version 2. Collection method: clinical testing. Allele origin: germline. Affected: yes. Observed: 1 variant allele.
Comment: CACNA1E: BP4, BP7

Genome-Nilou Lab
Classification: Likely benign for Developmental and epileptic encephalopathy, 69. Last evaluated: 2023-04-11. Review status: criteria provided, single submitter. Criteria: ACMG Guidelines, 2015. Collection method: clinical testing. Allele origin: germline. Affected: no.